The following is an entry in ClinVar:

NM_015378.4(VPS13D):c.10747G>A (p.Asp3583Asn)

Gene: VPS13D (vacuolar protein sorting 13 homolog D; plus strand). Cytogenetic location: 1p36.22.
Variant type: single nucleotide variant.
Coding change: c.10747G>A on transcript NM_015378.4 (MANE Select); coding-DNA position 10747, G replaced by A.
Protein change: p.Asp3583Asn; replaces aspartic acid 3583 with asparagine.
Molecular consequence: missense variant.
Genome position (GRCh38, 1-based): chr1:12,369,641, G>A. VCF-style: chr1-12369641-G-A. GRCh37 (hg19) VCF-style: chr1-12429696-G-A.
Other names: c.10672G>A, p.Asp3558Asn (NM_018156.4); short protein forms D3558N, D3583N.
Identifiers: ClinVar variation 1926828 (VCV001926828.5), dbSNP rs1307652600, ClinGen allele CA338498723.

ClinVar aggregate classification (germline): Uncertain significance (1 of 4 stars; one submission).

Allele frequency attached by ClinVar (database versions not stated): gnomAD exomes below 0.00001; TOPMed below 0.00001; gnomAD 0.00001.
gnomAD v4.1: 3 of 1,614,066 alleles (0.00019%); highest among the groups gnomAD compares: Non-Finnish European, 0.00017%; no homozygotes.

Submission:

Labcorp Genetics (formerly Invitae), Labcorp
Classification: Uncertain significance. Last evaluated: 2022-11-08. Review status: criteria provided, single submitter. Criteria: Invitae Variant Classification Sherloc (09022015). Collection method: clinical testing. Allele origin: germline.
Comment: This variant is not present in population databases (gnomAD no frequency). This sequence change replaces aspartic acid, which is acidic and polar, with asparagine, which is neutral and polar, at codon 3583 of the VPS13D protein (p.Asp3583Asn). This variant has not been reported in the literature in individuals affected with VPS13D-related conditions. Advanced modeling of protein sequence and biophysical properties (such as structural, functional, and spatial information, amino acid conservation, physicochemical variation, residue mobility, and thermodynamic stability) performed at Invitae indicates that this missense variant is not expected to disrupt VPS13D protein function. In summary, the available evidence is currently insufficient to determine the role of this variant in disease. Therefore, it has been classified as a Variant of Uncertain Significance.